The following is an entry in ClinVar:

ClinVar aggregate classification (germline): Uncertain significance (1 of 4 stars; one submission).

Conditions:
Kabuki syndrome. Also called: NIIKAWA-KUROKI SYNDROME; Kabuki make-up syndrome. Identifiers: Orphanet 2322, MedGen C0796004, MONDO:0016512.

gnomAD v4.1: 5 of 1,612,940 alleles (0.00031%); highest among the groups gnomAD compares: Non-Finnish European, 0.00042%; no homozygotes.

Submission:

Labcorp Genetics (formerly Invitae), Labcorp
Classification: Uncertain significance for Kabuki syndrome. Last evaluated: 2024-06-28. Review status: criteria provided, single submitter. Criteria: Invitae Variant Classification Sherloc (09022015). Collection method: clinical testing. Allele origin: germline.
Comment: This sequence change replaces lysine, which is basic and polar, with arginine, which is basic and polar, at codon 1466 of the KMT2D protein (p.Lys1466Arg). This variant is not present in population databases (gnomAD no frequency). This variant has not been reported in the literature in individuals affected with KMT2D-related conditions. Advanced modeling of protein sequence and biophysical properties (such as structural, functional, and spatial information, amino acid conservation, physicochemical variation, residue mobility, and thermodynamic stability) performed at Invitae indicates that this missense variant is expected to disrupt KMT2D protein function with a positive predictive value of 95%. In summary, the available evidence is currently insufficient to determine the role of this variant in disease. Therefore, it has been classified as a Variant of Uncertain Significance.

NM_003482.4(KMT2D):c.4397A>G (p.Lys1466Arg)

Gene: KMT2D (lysine methyltransferase 2D; minus strand). Cytogenetic location: 12q13.12.
Variant type: single nucleotide variant.
Coding change: c.4397A>G on transcript NM_003482.4 (MANE Select); coding-DNA position 4397, A replaced by G.
Protein change: p.Lys1466Arg; replaces lysine 1466 with arginine.
Molecular consequence: missense variant.
Genome position (GRCh38, 1-based): chr12:49,046,630, T>C on the plus strand (A>G on the coding strand, the complement: KMT2D is on the minus strand). VCF-style: chr12-49046630-T-C. GRCh37 (hg19) VCF-style: chr12-49440413-T-C.
Other names: short protein forms K1466R.
Identifiers: ClinVar variation 3718794 (VCV003718794.2).